The following is an entry in ClinVar:

ClinVar aggregate classification (germline): Uncertain significance (1 of 4 stars; one submission).

Submission:

Women's Health and Genetics/Laboratory Corporation of America, LabCorp
Classification: Uncertain significance. Last evaluated: 2025-09-26. Review status: criteria provided, single submitter. Criteria: LabCorp Variant Classification Summary - May 2015. Collection method: clinical testing. Allele origin: germline.
Comment: Variant summary: SHANK3 c.3557C>T (p.Pro1186Leu) results in a non-conservative amino acid change in the encoded protein sequence. Algorithms developed to predict the effect of missense changes on protein structure and function are either unavailable or do not agree on the potential impact of this missense change. The variant allele was found at a frequency of 4.5e-06 in 221878 control chromosomes (gnomAD). The available data on variant occurrences in the general population are insufficient to allow any conclusion about variant significance. To our knowledge, no occurrence of c.3557C>T in individuals affected with SHANK3-related conditions and no experimental evidence demonstrating its impact on protein function have been reported. ClinVar contains an entry for this variant (Variation ID: 2392898). Based on the evidence outlined above, the variant was classified as uncertain significance.

NM_001372044.2(SHANK3):c.3557C>T (p.Ala1186Val)

Gene: SHANK3 (SH3 and multiple ankyrin repeat domains 3; plus strand). Cytogenetic location: 22q13.33.
Variant type: single nucleotide variant.
Coding change: c.3557C>T on transcript NM_001372044.2 (MANE Select); coding-DNA position 3557, C replaced by T.
Protein change: p.Ala1186Val; replaces alanine 1186 with valine.
Molecular consequence: missense variant.
Genome position (GRCh38, 1-based): chr22:50,721,165, C>T. VCF-style: chr22-50721165-C-T. GRCh37 (hg19) VCF-style: chr22-51159593-C-T.
Other names: short protein forms A1186V.
Identifiers: ClinVar variation 4535945 (VCV004535945.1).